The following is an entry in ClinVar:

NM_002474.3(MYH11):c.5000C>G (p.Ser1667Cys)

Genes: MYH11 (myosin heavy chain 11; minus strand), NDE1 (nudE neurodevelopment protein 1; plus strand). Cytogenetic location: 16p13.11.
Variant type: single nucleotide variant.
Coding change: c.5000C>G on transcript NM_002474.3 (MANE Select); coding-DNA position 5000, C replaced by G.
Protein change: p.Ser1667Cys; replaces serine 1667 with cysteine.
Molecular consequence: missense variant. On other transcripts: intron variant (2).
Genome position (GRCh38, 1-based): chr16:15,719,667, G>C on the plus strand (C>G on the coding strand, the complement: MYH11 is on the minus strand). VCF-style: chr16-15719667-G-C. GRCh37 (hg19) VCF-style: chr16-15813524-G-C.
Other names: c.5021C>G, p.Ser1674Cys (NM_001040113.2, NM_001040114.2); c.5000C>G, p.Ser1667Cys (NM_022844.3); c.948-4524G>C (NM_001143979.2, NM_017668.3); short protein forms S1667C, S1674C.
Identifiers: ClinVar variation 1385135 (VCV001385135.6), dbSNP rs1345711998, ClinGen allele CA394851722.

ClinVar aggregate classification (germline): Uncertain significance (1 of 4 stars; one submission).

Conditions:
Aortic aneurysm, familial thoracic 4 (AAT4). Also called: AORTIC ANEURYSM/AORTIC DISSECTION AND PATENT DUCTUS ARTERIOSUS. Identifiers: MedGen C1851504, MONDO:0007568, OMIM 132900.

Submission:

Labcorp Genetics (formerly Invitae), Labcorp
Classification: Uncertain significance for Aortic aneurysm, familial thoracic 4. Last evaluated: 2023-02-08. Review status: criteria provided, single submitter. Criteria: Invitae Variant Classification Sherloc (09022015). Collection method: clinical testing. Allele origin: germline.
Comment: In summary, the available evidence is currently insufficient to determine the role of this variant in disease. Therefore, it has been classified as a Variant of Uncertain Significance. Advanced modeling of protein sequence and biophysical properties (such as structural, functional, and spatial information, amino acid conservation, physicochemical variation, residue mobility, and thermodynamic stability) performed at Invitae indicates that this missense variant is not expected to disrupt MYH11 protein function. ClinVar contains an entry for this variant (Variation ID: 1385135). This variant has not been reported in the literature in individuals affected with MYH11-related conditions. This variant is not present in population databases (gnomAD no frequency). This sequence change replaces serine, which is neutral and polar, with cysteine, which is neutral and slightly polar, at codon 1674 of the MYH11 protein (p.Ser1674Cys).